The following is an entry in ClinVar:

ClinVar aggregate classification (germline): Likely benign. Review status: criteria provided, multiple submitters, no conflicts (2 of 4 stars). 3 submissions from 3 submitters: Likely benign (2). 1 of the submissions does not count toward it. Last evaluated 2025-01-01.

Conditions:
DOK7-related disorder. Also called: DOK7-related condition.

Allele frequency attached by ClinVar (database versions not stated): 1000 Genomes Project 0.00200; ExAC 0.00033; 1000 Genomes Project 30x 0.00156.
gnomAD v4.1: 700 of 1,535,822 alleles (0.046%); highest among the groups gnomAD compares: African/African-American, 0.68%; 6 homozygotes.

Submissions (3):

CeGaT Center for Human Genetics Tuebingen
Classification: Likely benign. Last evaluated: 2025-01-01. Review status: criteria provided, single submitter. Criteria: CeGaT Center For Human Genetics Tuebingen Variant Classification Criteria Version 2. Collection method: clinical testing. Allele origin: germline. Affected: yes. Observed: 1 variant allele.
Comment: DOK7: BP4, BP7

Blueprint Genetics
Classification: Likely benign. Last evaluated: 2024-11-01. Review status: criteria provided, single submitter. Criteria: ACMG Guidelines, 2015. Collection method: clinical testing. Allele origin: germline.

PreventionGenetics, part of Exact Sciences
Classification: Likely benign for DOK7-related condition. Last evaluated: 2019-03-25. Review status: no assertion criteria provided. Collection method: clinical testing. Allele origin: germline. Not counted in ClinVar's aggregate classification.
Comment: This variant is classified as likely benign based on ACMG/AMP sequence variant interpretation guidelines (Richards et al. 2015 PMID: 25741868, with internal and published modifications).

NM_001301071.2(DOK7):c.1710C>T (p.Leu570=)

Gene: DOK7 (docking protein 7; plus strand). Cytogenetic location: 4p16.3.
Variant type: single nucleotide variant.
Coding change: c.1710C>T on transcript NM_001301071.2; coding-DNA position 1710, C replaced by T.
Protein change: p.Leu570=; no amino-acid change (leucine 570 retained).
Molecular consequence: synonymous variant.
Genome position (GRCh38, 1-based): chr4:3,500,708, C>T. VCF-style: chr4-3500708-C-T. GRCh37 (hg19) VCF-style: chr4-3502435-C-T.
Other names: c.1278C>T, p.Leu426= (NM_001363811.2).
Identifiers: ClinVar variation 3056558 (VCV003056558.16), dbSNP rs111866770, ClinGen allele CA2829648.
Genomic context (GRCh38, chr4:3,500,708, plus strand): 5'-GTGGCTCGGGGCGCAGGCTGCCGCTCACTACAGAATTCTTTCAGGGGCTGGCGCCTCCCT[C>T]TACGCCCAGATCGACATCATGGCCACCGAGACGGCGCACAGAGTGGGGGTGCGGCACGCA-3'